The following is an entry in ClinVar:

ClinVar aggregate classification (germline): Uncertain significance. Review status: criteria provided, multiple submitters, no conflicts (2 of 4 stars). 4 submissions from 4 submitters: Uncertain significance (3). 1 of the submissions does not count toward it. Last evaluated 2025-04-08.

Conditions:
2-aminoadipic 2-oxoadipic aciduria (AAKAD). Also called: Aminoadipic aciduria; ALPHA-AMINOADIPIC AND ALPHA-KETOADIPIC ACIDURIA. Identifiers: Orphanet 79154, MedGen C1859817, MONDO:0008774, OMIM 204750.
Charcot-Marie-Tooth disease axonal type 2Q. Also called: CHARCOT-MARIE-TOOTH NEUROPATHY, TYPE 2Q; CHARCOT-MARIE-TOOTH DISEASE, AXONAL, AUTOSOMAL DOMINANT, TYPE 2Q. Identifiers: Orphanet 329258, MedGen C3554366, MONDO:0014012, OMIM 615025.

Allele frequency attached by ClinVar (database versions not stated): gnomAD 0.00001; gnomAD exomes 0.00001 and 0.00002; ExAC 0.00002; 1000 Genomes Project 30x 0.00016; 1000 Genomes Project 0.00020.
gnomAD v4.1: 18 of 1,613,872 alleles (0.0011%); highest among the groups gnomAD compares: East Asian, 0.0022%; no homozygotes.

Submissions (4):

Labcorp Genetics (formerly Invitae), Labcorp
Classification: Uncertain significance for 2-aminoadipic 2-oxoadipic aciduria. Last evaluated: 2025-04-08. Review status: criteria provided, single submitter. Criteria: Invitae Variant Classification Sherloc (09022015). Collection method: clinical testing. Allele origin: germline.
Comment: This sequence change replaces proline, which is neutral and non-polar, with leucine, which is neutral and non-polar, at codon 373 of the DHTKD1 protein (p.Pro373Leu). This variant is present in population databases (rs556384043, gnomAD 0.005%). This variant has not been reported in the literature in individuals affected with DHTKD1-related conditions. ClinVar contains an entry for this variant (Variation ID: 973472). Invitae Evidence Modeling of protein sequence and biophysical properties (such as structural, functional, and spatial information, amino acid conservation, physicochemical variation, residue mobility, and thermodynamic stability) indicates that this missense variant is not expected to disrupt DHTKD1 protein function with a negative predictive value of 80%. Algorithms developed to predict the effect of sequence changes on RNA splicing suggest that this variant may disrupt the consensus splice site. In summary, the available evidence is currently insufficient to determine the role of this variant in disease. Therefore, it has been classified as a Variant of Uncertain Significance.

Genomic Medicine Center of Excellence, King Faisal Specialist Hospital and Research Centre
Classification: Uncertain significance for Charcot-Marie-Tooth disease axonal type 2Q. Last evaluated: 2024-03-26. Review status: criteria provided, single submitter. Criteria: ACMG Guidelines, 2015. Collection method: clinical testing. Allele origin: germline.

Women's Health and Genetics/Laboratory Corporation of America, LabCorp
Classification: Uncertain significance. Last evaluated: 2024-02-20. Review status: criteria provided, single submitter. Criteria: LabCorp Variant Classification Summary - May 2015. Collection method: clinical testing. Allele origin: germline.
Comment: Variant summary: DHTKD1 c.1118C>T (p.Pro373Leu) results in a non-conservative amino acid change located in the Dehydrogenase, E1 component (IPR001017) of the encoded protein sequence. Four of five in-silico tools predict a damaging effect of the variant on protein function. The variant allele was found at a frequency of 2.4e-05 in 251404 control chromosomes. The available data on variant occurrences in the general population are insufficient to allow any conclusion about variant significance. To our knowledge, no occurrence of c.1118C>T in individuals affected with 2-Aminoadipic 2-Oxoadipic Aciduria and no experimental evidence demonstrating its impact on protein function have been reported. ClinVar contains an entry for this variant (Variation ID: 973472). Based on the evidence outlined above, the variant was classified as uncertain significance.

Elsea Laboratory, Baylor College of Medicine
Classification: Likely pathogenic for 2-aminoadipic 2-oxoadipic aciduria. Last evaluated: 2020-04-01. Review status: no assertion criteria provided. Collection method: clinical testing. Allele origin: maternal, paternal. Affected: yes. Not counted in ClinVar's aggregate classification.

NM_018706.7(DHTKD1):c.1118C>T (p.Pro373Leu)

Gene: DHTKD1 (dehydrogenase E1 and transketolase domain containing 1; plus strand). Cytogenetic location: 10p14.
Variant type: single nucleotide variant.
Coding change: c.1118C>T on transcript NM_018706.7 (MANE Select); coding-DNA position 1118, C replaced by T.
Protein change: p.Pro373Leu; replaces proline 373 with leucine.
Molecular consequence: missense variant.
Genome position (GRCh38, 1-based): chr10:12,091,643, C>T. VCF-style: chr10-12091643-C-T. GRCh37 (hg19) VCF-style: chr10-12133642-C-T.
Other names: short protein forms P373L.
Identifiers: ClinVar variation 973472 (VCV000973472.10), dbSNP rs556384043, ClinGen allele CA5407752.
Genomic context (GRCh38, chr10:12,091,643, plus strand): 5'-ATTTCAGAATTGGTGGGAGTGTGCATTTGATTGTTAATAACCAGCTGGGTTACACCACTC[C>T]AGCTGAAAGAGGAAGGTCTTCTTTATACTGCAGTGATATTGGTACGTAACACAGGGAGGA-3'
Protein context (NP_061176.4, residues 363-383): IVNNQLGYTT[Pro373Leu]AERGRSSLYC